The following is an entry in ClinVar:

NM_004370.6(COL12A1):c.7018A>G (p.Asn2340Asp)

Gene: COL12A1 (collagen type XII alpha 1 chain; minus strand). Cytogenetic location: 6q13.
Variant type: single nucleotide variant.
Coding change: c.7018A>G on transcript NM_004370.6 (MANE Select); coding-DNA position 7018, A replaced by G.
Protein change: p.Asn2340Asp; replaces asparagine 2340 with aspartic acid.
Molecular consequence: missense variant.
Genome position (GRCh38, 1-based): chr6:75,121,370, T>C on the plus strand (A>G on the coding strand, the complement: COL12A1 is on the minus strand). VCF-style: chr6-75121370-T-C. GRCh37 (hg19) VCF-style: chr6-75831086-T-C.
Other names: c.7018A>G, p.Asn2340Asp (NM_001424113.1); c.6997A>G, p.Asn2333Asp (NM_001424114.1); c.6745A>G, p.Asn2249Asp (NM_001424115.1); c.3526A>G, p.Asn1176Asp (NM_001424116.1, NM_080645.3); c.7018A>G (NM_004370.5); short protein forms N2249D, N2333D, N2340D, N1176D.
Identifiers: ClinVar variation 2925269 (VCV002925269.4), dbSNP rs2533214121, ClinGen allele CA364750046.

ClinVar aggregate classification (germline): Uncertain significance. Review status: criteria provided, multiple submitters, no conflicts (2 of 4 stars). 2 submissions from 2 submitters: Uncertain significance (2). Last evaluated 2025-01-26.

Conditions:
Ullrich congenital muscular dystrophy 2 (UCMD2). Identifiers: Orphanet 75840, MedGen C4225314, MONDO:0014654, OMIM 616470.
Bethlem myopathy 2 (BTHLM2). Identifiers: Orphanet 536516, Orphanet 610, MedGen C4225313, MONDO:0034022, OMIM 616471.
Inborn genetic diseases. Identifiers: MedGen C0950123, MeSH D030342.

Allele frequency attached by ClinVar (database versions not stated): gnomAD exomes below 0.00001.
gnomAD v4.1: 4 of 1,612,018 alleles (0.00025%); highest among the groups gnomAD compares: Non-Finnish European, 0.00034%; no homozygotes.

Submissions (2):

Ambry Genetics
Classification: Uncertain significance for Inborn genetic diseases. Last evaluated: 2025-01-26. Review status: criteria provided, single submitter. Criteria: Ambry Variant Classification Scheme 2023. Collection method: clinical testing. Allele origin: germline.

Labcorp Genetics (formerly Invitae), Labcorp
Classification: Uncertain significance for Bethlem myopathy 2; Ullrich congenital muscular dystrophy 2. Last evaluated: 2023-11-18. Review status: criteria provided, single submitter. Criteria: Invitae Variant Classification Sherloc (09022015). Collection method: clinical testing. Allele origin: germline.
Comment: This sequence change replaces asparagine, which is neutral and polar, with aspartic acid, which is acidic and polar, at codon 2340 of the COL12A1 protein (p.Asn2340Asp). This variant is not present in population databases (gnomAD no frequency). This variant has not been reported in the literature in individuals affected with COL12A1-related conditions. Advanced modeling of protein sequence and biophysical properties (such as structural, functional, and spatial information, amino acid conservation, physicochemical variation, residue mobility, and thermodynamic stability) performed at Invitae indicates that this missense variant is not expected to disrupt COL12A1 protein function with a negative predictive value of 80%. In summary, the available evidence is currently insufficient to determine the role of this variant in disease. Therefore, it has been classified as a Variant of Uncertain Significance.